The following is an entry in ClinVar:

NM_000094.4(COL7A1):c.2528G>A (p.Arg843Gln)

Gene: COL7A1 (collagen type VII alpha 1 chain; minus strand). Cytogenetic location: 3p21.31.
Variant type: single nucleotide variant.
Coding change: c.2528G>A on transcript NM_000094.4 (MANE Select); coding-DNA position 2528, G replaced by A.
Protein change: p.Arg843Gln; replaces arginine 843 with glutamine.
Molecular consequence: missense variant.
Genome position (GRCh38, 1-based): chr3:48,588,701, C>T on the plus strand (G>A on the coding strand, the complement: COL7A1 is on the minus strand). VCF-style: chr3-48588701-C-T. GRCh37 (hg19) VCF-style: chr3-48626134-C-T.
Other names: short protein forms R843Q.
Identifiers: ClinVar variation 2161194 (VCV002161194.1), dbSNP rs747058637, ClinGen allele CA352719067.

ClinVar aggregate classification (germline): Uncertain significance (1 of 4 stars; one submission).

Allele frequency attached by ClinVar (database versions not stated): TOPMed below 0.00001.
gnomAD v4.1: 3 of 1,613,900 alleles (0.00019%); highest among the groups gnomAD compares: Admixed American, 0.0033%; no homozygotes.

Submission:

Labcorp Genetics (formerly Invitae), Labcorp
Classification: Uncertain significance. Last evaluated: 2021-08-06. Review status: criteria provided, single submitter. Criteria: Invitae Variant Classification Sherloc (09022015). Collection method: clinical testing. Allele origin: germline.
Comment: This sequence change replaces arginine with glutamine at codon 843 of the COL7A1 protein (p.Arg843Gln). The arginine residue is moderately conserved and there is a small physicochemical difference between arginine and glutamine. This variant is not present in population databases (ExAC no frequency). This variant has not been reported in the literature in individuals affected with COL7A1-related conditions. Advanced modeling of protein sequence and biophysical properties (such as structural, functional, and spatial information, amino acid conservation, physicochemical variation, residue mobility, and thermodynamic stability) performed at Invitae indicates that this missense variant is not expected to disrupt COL7A1 protein function. In summary, the available evidence is currently insufficient to determine the role of this variant in disease. Therefore, it has been classified as a Variant of Uncertain Significance.